The following is an entry in ClinVar:

NM_017763.6(RNF43):c.124G>T (p.Ala42Ser)

Gene: RNF43 (ring finger protein 43; minus strand). Cytogenetic location: 17q22.
Variant type: single nucleotide variant.
Coding change: c.124G>T on transcript NM_017763.6 (MANE Select); coding-DNA position 124, G replaced by T.
Protein change: p.Ala42Ser; replaces alanine 42 with serine.
Molecular consequence: missense variant.
Genome position (GRCh38, 1-based): chr17:58,415,454, C>A on the plus strand (G>T on the coding strand, the complement: RNF43 is on the minus strand). VCF-style: chr17-58415454-C-A. GRCh37 (hg19) VCF-style: chr17-56492815-C-A.
Other names: c.124G>T, p.Ala42Ser (NM_001305544.3); short protein forms A42S.
Identifiers: ClinVar variation 1024790 (VCV001024790.8), dbSNP rs1974104221, ClinGen allele CA400359879.
Genomic context (GRCh38, chr17:58,415,454, plus strand): 5'-TCAGTTTTCCTGTGGGGTCCATTTTCAAGGGGATCACTCTGATAATAGCTTTCTGTTCTG[C>A]TGATCTTTCAGACTCCACCGCTGCTGCCAGTACCAGTCCTGTGCGTCCAAAGCCTGCCTG-3'
Protein context (NP_060233.3, residues 32-52): LAAAVESERS[Ala42Ser]EQKAIIRVIP

ClinVar aggregate classification (germline): Uncertain significance (1 of 4 stars; one submission).

Submission:

Labcorp Genetics (formerly Invitae), Labcorp
Classification: Uncertain significance. Last evaluated: 2020-12-25. Review status: criteria provided, single submitter. Criteria: Invitae Variant Classification Sherloc (09022015). Collection method: clinical testing. Allele origin: germline.
Comment: In summary, the available evidence is currently insufficient to determine the role of this variant in disease. Therefore, it has been classified as a Variant of Uncertain Significance. Algorithms developed to predict the effect of missense changes on protein structure and function (SIFT, PolyPhen-2, Align-GVGD) all suggest that this variant is likely to be tolerated, but these predictions have not been confirmed by published functional studies and their clinical significance is uncertain. This variant has not been reported in the literature in individuals with RNF43-related conditions. This variant is not present in population databases (ExAC no frequency). This sequence change replaces alanine with serine at codon 42 of the RNF43 protein (p.Ala42Ser). The alanine residue is moderately conserved and there is a moderate physicochemical difference between alanine and serine.